The following is an entry in ClinVar:

ClinVar aggregate classification (germline): Uncertain significance (1 of 4 stars; one submission).

Submission:

GeneDx
Classification: Uncertain significance. Last evaluated: 2021-01-29. Review status: criteria provided, single submitter. Criteria: GeneDx Variant Classification Process June 2021. Collection method: clinical testing. Allele origin: germline. Affected: yes.
Comment: Not observed in large population cohorts (Lek 2016); In silico analysis supports that this missense variant has a deleterious effect on protein structure/function; Has not been previously published as pathogenic or benign to our knowledge

NM_004656.4(BAP1):c.108G>T (p.Gln36His)

Gene: BAP1 (BRCA1 associated protein 1; minus strand). Cytogenetic location: 3p21.1.
Variant type: single nucleotide variant.
Coding change: c.108G>T on transcript NM_004656.4 (MANE Select); coding-DNA position 108, G replaced by T.
Protein change: p.Gln36His; replaces glutamine 36 with histidine.
Molecular consequence: missense variant.
Genome position (GRCh38, 1-based): chr3:52,409,568, C>A on the plus strand (G>T on the coding strand, the complement: BAP1 is on the minus strand). VCF-style: chr3-52409568-C-A. GRCh37 (hg19) VCF-style: chr3-52443584-C-A.
Other names: short protein forms Q36H.
Identifiers: ClinVar variation 1320751 (VCV001320751.2), dbSNP rs2153228521, ClinGen allele CA353114552.